The following is an entry in ClinVar:

NM_001848.3(COL6A1):c.1315C>T (p.Arg439Trp)

Gene: COL6A1 (collagen type VI alpha 1 chain; plus strand). Cytogenetic location: 21q22.3.
Variant type: single nucleotide variant.
Coding change: c.1315C>T on transcript NM_001848.3 (MANE Select); coding-DNA position 1315, C replaced by T.
Protein change: p.Arg439Trp; replaces arginine 439 with tryptophan.
Molecular consequence: missense variant.
Genome position (GRCh38, 1-based): chr21:45,992,790, C>T. VCF-style: chr21-45992790-C-T. GRCh37 (hg19) VCF-style: chr21-47412704-C-T.
Other names: short protein forms R439W.
Identifiers: ClinVar variation 662422 (VCV000662422.9), dbSNP rs368239109, ClinGen allele CA321967348.

ClinVar aggregate classification (germline): Conflicting classifications of pathogenicity. Review status: criteria provided, conflicting classifications (1 of 4 stars). 2 submissions from 2 submitters: Uncertain significance (1); Likely benign (1). Last evaluated 2025-12-30.

Conditions:
Bethlem myopathy 1A. Also called: Bethlem Muscular Dystrophy; Bethlem myopathy 1; MYOPATHY, BENIGN CONGENITAL, WITH CONTRACTURES. Identifiers: Orphanet 610, MedGen CN029274, MONDO:0024530, OMIM 158810.

Allele frequency attached by ClinVar (database versions not stated): gnomAD exomes 0.00003; TOPMed 0.00004; gnomAD 0.00006.
gnomAD v4.1: 35 of 1,601,072 alleles (0.0022%); highest among the groups gnomAD compares: African/African-American, 0.016%; no homozygotes.

Submissions (2):

Labcorp Genetics (formerly Invitae), Labcorp
Classification: Likely benign for Bethlem myopathy 1A. Last evaluated: 2025-12-30. Review status: criteria provided, single submitter. Criteria: Invitae Variant Classification Sherloc (09022015). Collection method: clinical testing. Allele origin: germline.

GeneDx
Classification: Uncertain significance. Last evaluated: 2021-06-07. Review status: criteria provided, single submitter. Criteria: GeneDx Variant Classification Process June 2021. Collection method: clinical testing. Allele origin: germline. Affected: yes.
Comment: Has not been previously published as pathogenic or benign to our knowledge; In silico analysis supports that this missense variant has a deleterious effect on protein structure/function; This variant is associated with the following publications: (PMID: 20976770, 27535533)